The following is an entry in ClinVar:

ClinVar aggregate classification (germline): Likely pathogenic (1 of 4 stars; one submission).

Allele frequency attached by ClinVar (database versions not stated): gnomAD exomes 0.00001; TOPMed 0.00001.
gnomAD v4.1: 3 of 1,608,382 alleles (0.00019%); highest among the groups gnomAD compares: African/African-American, 0.0013%; no homozygotes.

Submission:

Labcorp Genetics (formerly Invitae), Labcorp
Classification: Likely pathogenic. Last evaluated: 2025-04-17. Review status: criteria provided, single submitter. Criteria: Invitae Variant Classification Sherloc (09022015). Collection method: clinical testing. Allele origin: germline.
Comment: This sequence change affects a donor splice site in intron 10 of the ASAH1 gene. It is expected to disrupt RNA splicing. Variants that disrupt the donor or acceptor splice site typically lead to a loss of protein function (PMID: 16199547), and loss-of-function variants in ASAH1 are known to be pathogenic (PMID: 24164096, 24355074). This variant is not present in population databases (gnomAD no frequency). This variant has not been reported in the literature in individuals affected with ASAH1-related conditions. ClinVar contains an entry for this variant (Variation ID: 1498177). Algorithms developed to predict the effect of sequence changes on RNA splicing suggest that this variant may disrupt the consensus splice site. In summary, the currently available evidence indicates that the variant is pathogenic, but additional data are needed to prove that conclusively. Therefore, this variant has been classified as Likely Pathogenic.

Literature cited by the submitters: PubMed 16199547; PubMed 24164096; PubMed 24355074.

NM_177924.5(ASAH1):c.785+1G>A

Gene: ASAH1 (N-acylsphingosine amidohydrolase 1; minus strand). Cytogenetic location: 8p22.
Variant type: single nucleotide variant.
Coding change: c.785+1G>A on transcript NM_177924.5 (MANE Select); the canonical splice donor site of the intron after coding-DNA position 785, G replaced by A.
Molecular consequence: splice donor variant.
Genome position (GRCh38, 1-based): chr8:18,061,376, C>T on the plus strand (G>A on the coding strand, the complement: ASAH1 is on the minus strand). VCF-style: chr8-18061376-C-T. GRCh37 (hg19) VCF-style: chr8-17918885-C-T.
Other names: c.833+1G>A (NM_004315.6); c.767+1G>A (NM_001127505.3); c.590+1G>A (NM_001363743.2).
Identifiers: ClinVar variation 1498177 (VCV001498177.6), dbSNP rs1019450405, ClinGen allele CA173141465.